The following is an entry in ClinVar:

ClinVar aggregate classification (germline): Uncertain significance. Review status: criteria provided, multiple submitters, no conflicts (2 of 4 stars). 4 submissions from 4 submitters: Uncertain significance (4). Last evaluated 2026-05-04.

Conditions:
STRC-related disorder. Also called: STRC-related condition.
Inborn genetic diseases. Identifiers: MedGen C0950123, MeSH D030342.

Allele frequency attached by ClinVar (database versions not stated): ESP Exome Variant Server 0.00008; gnomAD 0.00017; 1000 Genomes Project 0.00020; gnomAD exomes 0.00020; ExAC 0.00022; TOPMed 0.00023; 1000 Genomes Project 30x 0.00031.
gnomAD v4.1: 402 of 1,613,872 alleles (0.025%); highest among the groups gnomAD compares: Admixed American, 0.045%; 5 homozygotes.

Submissions (4):

PreventionGenetics, part of Exact Sciences
Classification: Uncertain significance for STRC-related condition. Last evaluated: 2026-05-04. Review status: criteria provided, single submitter. Criteria: ACMG Guidelines, 2015. Collection method: clinical testing. Allele origin: germline.
Comment: The STRC c.4466A>C variant is predicted to result in the amino acid substitution p.Glu1489Ala. To our knowledge, this variant has not been reported in the literature. This variant is reported in 0.045% of alleles in individuals of Latino descent in gnomAD. At this time, the clinical significance of this variant is uncertain due to the absence of conclusive functional and genetic evidence.

Blueprint Genetics
Classification: Uncertain significance. Last evaluated: 2024-11-13. Review status: criteria provided, single submitter. Criteria: ACMG Guidelines, 2015. Collection method: clinical testing. Allele origin: germline.

Ambry Genetics
Classification: Uncertain significance for Inborn genetic diseases. Last evaluated: 2021-08-02. Review status: criteria provided, single submitter. Criteria: Ambry Variant Classification Scheme 2023. Collection method: clinical testing. Allele origin: germline.

ARUP Laboratories, Molecular Genetics and Genomics, ARUP Laboratories
Classification: Uncertain significance. Last evaluated: 2016-09-04. Review status: criteria provided, single submitter. Criteria: ARUP Molecular Germline Variant Investigation Process. Collection method: clinical testing. Allele origin: germline.

NM_153700.2(STRC):c.4466A>C (p.Glu1489Ala)

Gene: STRC (stereocilin; minus strand). Cytogenetic location: 15q15.3.
Variant type: single nucleotide variant.
Coding change: c.4466A>C on transcript NM_153700.2 (MANE Select); coding-DNA position 4466, A replaced by C.
Protein change: p.Glu1489Ala; replaces glutamic acid 1489 with alanine.
Molecular consequence: missense variant.
Genome position (GRCh38, 1-based): chr15:43,603,321, T>G on the plus strand (A>C on the coding strand, the complement: STRC is on the minus strand). VCF-style: chr15-43603321-T-G. GRCh37 (hg19) VCF-style: chr15-43895519-T-G.
Other names: short protein forms E1489A.
Identifiers: ClinVar variation 440308 (VCV000440308.13), dbSNP rs200009157, ClinGen allele CA7528025.
Genomic context (GRCh38, chr15:43,603,321, plus strand): 5'-GCTGCCCGCAGTTCCTCAGGCCCAAGTCCTGGGTCTCCTGCAAATAATGTCAGGCAGTCC[T>G]CAAAGTCTGAGAGCTCCATCTCTGCAATCTGGGTTGCAGACCAGGCTGCTGGGAATGTCC-3'
Protein context (NP_714544.1, residues 1479-1499): QIAEMELSDF[Glu1489Ala]DCLTLFAGDP